The following is an entry in ClinVar:

ClinVar aggregate classification (germline): Uncertain significance (1 of 4 stars; one submission).

Conditions:
Deficiency of butyryl-CoA dehydrogenase (ACADSD). Also called: SCAD DEFICIENCY, MILD; ACYL-CoA DEHYDROGENASE, SHORT-CHAIN, DEFICIENCY OF; ACADS DEFICIENCY; SCAD Deficiency; SCADH DEFICIENCY; Short-Chain Acyl-CoA Dehydrogenase Deficiency. Identifiers: Orphanet 26792, MedGen C0342783, MONDO:0008722, OMIM 201470. Disease mechanism: May be benign.

Submission:

Labcorp Genetics (formerly Invitae), Labcorp
Classification: Uncertain significance for Deficiency of butyryl-CoA dehydrogenase. Last evaluated: 2021-12-31. Review status: criteria provided, single submitter. Criteria: Invitae Variant Classification Sherloc (09022015). Collection method: clinical testing. Allele origin: germline.
Comment: In summary, the available evidence is currently insufficient to determine the role of this variant in disease. Therefore, it has been classified as a Variant of Uncertain Significance. Advanced modeling of protein sequence and biophysical properties (such as structural, functional, and spatial information, amino acid conservation, physicochemical variation, residue mobility, and thermodynamic stability) performed at Invitae indicates that this missense variant is not expected to disrupt ACADS protein function. This sequence change replaces asparagine, which is neutral and polar, with serine, which is neutral and polar, at codon 207 of the ACADS protein (p.Asn207Ser). This variant is not present in population databases (gnomAD no frequency). This variant has not been reported in the literature in individuals affected with ACADS-related conditions.

NM_000017.4(ACADS):c.620A>G (p.Asn207Ser)

Gene: ACADS (acyl-CoA dehydrogenase short chain; plus strand). Cytogenetic location: 12q24.31.
Variant type: single nucleotide variant.
Coding change: c.620A>G on transcript NM_000017.4 (MANE Select); coding-DNA position 620, A replaced by G.
Protein change: p.Asn207Ser; replaces asparagine 207 with serine.
Molecular consequence: missense variant. On other transcripts: intron variant (1).
Genome position (GRCh38, 1-based): chr12:120,737,984, A>G. VCF-style: chr12-120737984-A-G. GRCh37 (hg19) VCF-style: chr12-121175787-A-G.
Other names: c.473-65A>G (NM_001302554.2); short protein forms N207S.
Identifiers: ClinVar variation 2097015 (VCV002097015.4), dbSNP rs2501194430, ClinGen allele CA386614794.